The following is an entry in ClinVar:

ClinVar aggregate classification (germline): Uncertain significance. Review status: criteria provided, multiple submitters, no conflicts (2 of 4 stars). 5 submissions from 5 submitters: Uncertain significance (5). Last evaluated 2024-05-24.

Conditions:
Autosomal recessive nonsyndromic hearing loss 77. Identifiers: Orphanet 90636, MedGen C2746083, MONDO:0013119, OMIM 613079.

Allele frequency attached by ClinVar (database versions not stated): ExAC 0.00004; TOPMed 0.00002.
gnomAD v4.1: 24 of 1,551,710 alleles (0.0015%); highest among the groups gnomAD compares: East Asian, 0.02%; no homozygotes.

Submissions (5):

GeneDx
Classification: Uncertain significance. Last evaluated: 2024-05-24. Review status: criteria provided, single submitter. Criteria: GeneDx Variant Classification Process June 2021. Collection method: clinical testing. Allele origin: germline. Affected: yes.
Comment: Identified in two siblings with a second LOXHD1 variant with bilateral sensorineural hearing loss in the published literature (PMID: 30123251); In silico analysis supports that this missense variant has a deleterious effect on protein structure/function; This variant is associated with the following publications: (PMID: 31709873, 32149082, 35875410, 31547530, 30760222, 30123251)

Blueprint Genetics
Classification: Uncertain significance. Last evaluated: 2022-11-24. Review status: criteria provided, single submitter. Criteria: ACMG Guidelines, 2015. Collection method: clinical testing. Allele origin: germline.

Labcorp Genetics (formerly Invitae), Labcorp
Classification: Uncertain significance. Last evaluated: 2022-04-13. Review status: criteria provided, single submitter. Criteria: Invitae Variant Classification Sherloc (09022015). Collection method: clinical testing. Allele origin: germline.
Comment: This sequence change replaces threonine, which is neutral and polar, with methionine, which is neutral and non-polar, at codon 584 of the LOXHD1 protein (p.Thr584Met). This variant is present in population databases (rs747842788, gnomAD 0.03%). This missense change has been observed in individual(s) with deafness (PMID: 30123251, 31709873). ClinVar contains an entry for this variant (Variation ID: 891862). Algorithms developed to predict the effect of missense changes on protein structure and function are either unavailable or do not agree on the potential impact of this missense change (SIFT: "Deleterious"; PolyPhen-2: "Benign"; Align-GVGD: "Class C0"). In summary, the available evidence is currently insufficient to determine the role of this variant in disease. Therefore, it has been classified as a Variant of Uncertain Significance.

Fulgent Genetics
Classification: Uncertain significance for Autosomal recessive nonsyndromic hearing loss 77. Last evaluated: 2022-02-16. Review status: criteria provided, single submitter. Criteria: ACMG Guidelines, 2015. Collection method: clinical testing. Allele origin: unknown.

Illumina Laboratory Services, Illumina
Classification: Uncertain significance for Autosomal recessive nonsyndromic hearing loss 77. Last evaluated: 2018-01-12. Review status: criteria provided, single submitter. Criteria: ICSL Variant Classification Criteria 13 December 2019. Collection method: clinical testing. Allele origin: germline.

Literature cited by the submitters: PubMed 30123251 (cited by Labcorp Genetics (formerly Invitae), Labcorp); PubMed 31709873 (cited by Labcorp Genetics (formerly Invitae), Labcorp).

NM_001384474.1(LOXHD1):c.1751C>T (p.Thr584Met)

Gene: LOXHD1 (lipoxygenase homology PLAT domains 1; minus strand). Cytogenetic location: 18q21.1.
Variant type: single nucleotide variant.
Coding change: c.1751C>T on transcript NM_001384474.1 (MANE Select); coding-DNA position 1751, C replaced by T.
Protein change: p.Thr584Met; replaces threonine 584 with methionine.
Molecular consequence: missense variant.
Genome position (GRCh38, 1-based): chr18:46,579,688, G>A on the plus strand (C>T on the coding strand, the complement: LOXHD1 is on the minus strand). VCF-style: chr18-46579688-G-A. GRCh37 (hg19) VCF-style: chr18-44159651-G-A.
Other names: c.1751C>T, p.Thr584Met (NM_144612.7); short protein forms T584M.
Identifiers: ClinVar variation 891862 (VCV000891862.8), dbSNP rs747842788, ClinGen allele CA8952763.